The following is an entry in ClinVar:

NM_006016.6(CD164):c.397T>C (p.Ser133Pro)

Gene: CD164 (CD164 molecule; minus strand). Cytogenetic location: 6q21.
Variant type: single nucleotide variant.
Coding change: c.397T>C on transcript NM_006016.6 (MANE Select); coding-DNA position 397, T replaced by C.
Protein change: p.Ser133Pro; replaces serine 133 with proline.
Molecular consequence: missense variant. On other transcripts: intron variant (1).
Genome position (GRCh38, 1-based): chr6:109,370,441, A>G on the plus strand (T>C on the coding strand, the complement: CD164 is on the minus strand). VCF-style: chr6-109370441-A-G. GRCh37 (hg19) VCF-style: chr6-109691644-A-G.
Other names: c.358T>C, p.Ser120Pro (NM_001142401.3); c.397T>C, p.Ser133Pro (NM_001142403.3, NM_001142404.3); c.295T>C, p.Ser99Pro (NM_001346500.2); c.371-1424T>C (NM_001142402.3); short protein forms S133P, S99P, S120P.
Identifiers: ClinVar variation 2550988 (VCV002550988.3), dbSNP rs766602425, ClinGen allele CA3951549.

ClinVar aggregate classification (germline): Uncertain significance. Review status: criteria provided, multiple submitters, no conflicts (2 of 4 stars). 2 submissions from 2 submitters: Uncertain significance (2). Last evaluated 2025-09-11.

Allele frequency attached by ClinVar (database versions not stated): gnomAD exomes 0.00002; TOPMed 0.00002; ExAC 0.00004.
gnomAD v4.1: 14 of 1,613,302 alleles (0.00087%); highest among the groups gnomAD compares: Admixed American, 0.023%; no homozygotes.

Submissions (2):

Labcorp Genetics (formerly Invitae), Labcorp
Classification: Uncertain significance. Last evaluated: 2025-09-11. Review status: criteria provided, single submitter. Criteria: Invitae Variant Classification Sherloc (09022015). Collection method: clinical testing. Allele origin: germline.
Comment: This sequence change replaces serine, which is neutral and polar, with proline, which is neutral and non-polar, at codon 133 of the CD164 protein (p.Ser133Pro). This variant is present in population databases (rs766602425, gnomAD 0.03%). This variant has not been reported in the literature in individuals affected with CD164-related conditions. ClinVar contains an entry for this variant (Variation ID: 2550988). An algorithm developed to predict the effect of missense changes on protein structure and function outputs the following: PolyPhen-2: "Possibly Damaging". The proline amino acid residue is found in multiple mammalian species, which suggests that this missense change does not adversely affect protein function. In summary, the available evidence is currently insufficient to determine the role of this variant in disease. Therefore, it has been classified as a Variant of Uncertain Significance.

Ambry Genetics
Classification: Uncertain significance. Last evaluated: 2023-05-24. Review status: criteria provided, single submitter. Criteria: Ambry Variant Classification Scheme 2023. Collection method: clinical testing. Allele origin: germline.